The following is an entry in ClinVar:

NM_000238.4(KCNH2):c.1474C>T (p.His492Tyr)

Gene: KCNH2 (potassium voltage-gated channel subfamily H member 2; minus strand). Cytogenetic location: 7q36.1.
Variant type: single nucleotide variant.
Coding change: c.1474C>T on transcript NM_000238.4 (MANE Select); coding-DNA position 1474, C replaced by T.
Protein change: p.His492Tyr; replaces histidine 492 with tyrosine.
Molecular consequence: missense variant.
Genome position (GRCh38, 1-based): chr7:150,952,508, G>A on the plus strand (C>T on the coding strand, the complement: KCNH2 is on the minus strand). VCF-style: chr7-150952508-G-A. GRCh37 (hg19) VCF-style: chr7-150649596-G-A.
Other names: c.1474C>T (LRG_288t1); c.454C>T, p.His152Tyr (NM_001204798.2, NM_172057.3); c.1186C>T, p.His396Tyr (NM_001406753.1, NM_001406756.1); c.1297C>T, p.His433Tyr (NM_001406755.1); c.1174C>T, p.His392Tyr (NM_001406757.1); c.1474C>T, p.His492Tyr (NM_172056.3); short protein forms H152Y, H492Y, H433Y, H396Y, H392Y.
Identifiers: ClinVar variation 67204 (VCV000067204.24), dbSNP rs199472910, ClinGen allele CA004679.

ClinVar aggregate classification (germline): Conflicting classifications of pathogenicity. Review status: criteria provided, conflicting classifications (1 of 4 stars). 9 submissions from 9 submitters: Pathogenic (1); Likely pathogenic (6); Uncertain significance (1). 1 of the submissions does not count toward it. Last evaluated 2024-10-02.

Conditions:
KCNH2-related disorder. Also called: KCNH2-related disorders; KCNH2-related condition.
Cardiovascular phenotype. Identifiers: MedGen CN230736.
Cardiac arrhythmia. Also called: Arrhythmia; Cardiac rhythm disease. Identifiers: MedGen C0003811, MONDO:0007263, HP:0011675.
Familial long QT syndrome (RWS). Also called: Congenital long QT syndrome; Romano-Ward syndrome; VENTRICULAR FIBRILLATION WITH PROLONGED QT INTERVAL. Identifiers: Orphanet 768, MedGen C1141890, MONDO:0019171.
Short QT syndrome type 1. Identifiers: Orphanet 51083, MedGen C1865020, MONDO:0012312, OMIM 609620.
Long QT syndrome 2 (LQT2). Identifiers: Orphanet 101016, Orphanet 768, MedGen C3150943, MONDO:0013367, OMIM 613688.
Long QT syndrome (LQTS). Identifiers: MedGen C0023976, MeSH D008133, MONDO:0002442. Disease mechanism: loss of function. Inheritance: Various modes of inheritance.

Allele frequency attached by ClinVar (database versions not stated): gnomAD exomes 0.00001 and 0.00003; ExAC 0.00001.
gnomAD v4.1: 16 of 1,614,152 alleles (0.00099%); highest among the groups gnomAD compares: East Asian, 0.036%; no homozygotes.

Submissions 1 to 7 of 9:

Labcorp Genetics (formerly Invitae), Labcorp
Classification: Pathogenic for Long QT syndrome. Last evaluated: 2024-10-02. Review status: criteria provided, single submitter. Criteria: Invitae Variant Classification Sherloc (09022015). Collection method: clinical testing. Allele origin: germline.
Comment: This sequence change replaces histidine, which is basic and polar, with tyrosine, which is neutral and polar, at codon 492 of the KCNH2 protein (p.His492Tyr). This variant is present in population databases (rs199472910, gnomAD 0.01%). This missense change has been observed in individuals with clinical features of long QT syndrome (PMID: 12808265, 19843919, 24057343, 27041096, 27816319, 29766885). ClinVar contains an entry for this variant (Variation ID: 67204). An algorithm developed to predict the effect of missense changes on protein structure and function (PolyPhen-2) suggests that this variant is likely to be disruptive. Experimental studies have shown that this missense change does not substantially affect KCNH2 function (PMID: 19843919). This variant disrupts the p.His492 amino acid residue in KCNH2. Other variant(s) that disrupt this residue have been observed in individuals with KCNH2-related conditions (PMID: 30369311), which suggests that this may be a clinically significant amino acid residue. For these reasons, this variant has been classified as Pathogenic.

Ambry Genetics
Classification: Uncertain significance for Cardiovascular phenotype. Last evaluated: 2023-08-22. Review status: criteria provided, single submitter. Criteria: Ambry General Variant Classification Scheme_2022. Collection method: clinical testing. Allele origin: germline.
Comment: The p.H492Y variant (also known as c.1474C>T), located in coding exon 6 of the KCNH2 gene, results from a C to T substitution at nucleotide position 1474. The histidine at codon 492 is replaced by tyrosine, an amino acid with similar properties. This variant has been detected in a number of individuals of Japanese ancestry with long QT syndrome (LQTS), suspected LQTS, or acquired LQTS precipitated by an additional factor. However, individuals with this and a second variant in LQTS-associated genes had more severe phenotype, and some individuals with only the p.H492Y were apparently unaffected (Inoue M et al. Circ J, 2003 Jun;67:495-8; Nagaoka I et al. Circ J, 2008 May;72:694-9; Itoh H et al. Circ Arrhythm Electrophysiol, 2009 Oct;2:511-23; Yoshinaga M et al. Circ Arrhythm Electrophysiol, 2014 Feb;7:107-12; Bando S et al. Heart Vessels, 2014 Jul;29:554-9; Izumi G et al. Pediatr Cardiol, 2016 Jun;37:962-70; Jang SY et al. Pacing Clin Electrophysiol, 2017 Mar;40:232-241; Fujii Y et al. J Cardiol, 2017 Jul;70:74-79). In vitro functional studies have indicated that this variant resulted in protein expression and peak cannel current comparable to wild type (Itoh H et al. Circ Arrhythm Electrophysiol, 2009 Oct;2:511-23; Perry MD et al. J Physiol, 2016 Jul;594:4031-49). This amino acid position is highly conserved in available vertebrate species. In addition, this alteration is predicted to be deleterious by in silico analysis. Since supporting evidence is limited at this time, the clinical significance of this alteration remains unclear.

PreventionGenetics, part of Exact Sciences
Classification: Likely pathogenic for KCNH2-related condition. Last evaluated: 2023-02-24. Review status: criteria provided, single submitter. Criteria: ACMG Guidelines, 2015. Collection method: clinical testing. Allele origin: germline.
Comment: The KCNH2 c.1474C>T variant is predicted to result in the amino acid substitution p.His492Tyr. This variant was reported in multiple individuals with long-QT syndrome (Case 4, Itoh. 2009. PubMed ID: 19843919; reported as HERG H492Y, Inoue. 2003. PubMed ID: 12808265; Bando et al 2013. PubMed ID: 24057343; see Table 2, Fujii. 2017. PubMed ID: 27816319). This variant was interpreted as a causative variant for long-QT syndrome (Table S7, Ware et al 2012. PubMed ID: 22581653). Functional studies suggest that variant may slightly alter KCNH2 normal function (Figure 5, Itoh. 2009. PubMed ID: 19843919). In ClinVar, this variant is interpreted as likely pathogenic/pathogenic. This variant is reported in 0.016% of alleles in individuals of East Asian descent in gnomAD. This variant is interpreted as likely pathogenic.

3billion
Classification: Likely pathogenic for Short QT syndrome type 1. Last evaluated: 2022-05-22. Review status: criteria provided, single submitter. Criteria: ACMG Guidelines, 2015. Collection method: clinical testing. Allele origin: germline. Affected: yes. Observed: 1 heterozygote.
Comment: The variant is observed at an extremely low frequency in the gnomAD v2.1.1 dataset (total allele frequency: 0.001%). Missense changes are a common disease-causing mechanism. In silico tool predictions suggest damaging effect of the variant on gene or gene product (REVEL: 0.95; 3Cnet: 0.88). Same nucleotide change resulting in same amino acid change has been previously reported as pathogenic/likely pathogenic with strong evidence (ClinVar ID: VCV000067204). Therefore, this variant is classified as likely pathogenic according to the recommendation of ACMG/AMP guideline.

Fulgent Genetics
Classification: Likely pathogenic for Short QT syndrome type 1; Long QT syndrome 2. Last evaluated: 2021-12-11. Review status: criteria provided, single submitter. Criteria: ACMG Guidelines, 2015. Collection method: clinical testing. Allele origin: unknown.

Color Diagnostics, LLC DBA Color Health
Classification: Likely pathogenic for Cardiac arrhythmia. Last evaluated: 2020-03-18. Review status: criteria provided, single submitter. Criteria: ACMG Guidelines, 2015. Collection method: clinical testing. Allele origin: germline.
Comment: This missense variant replaces histidine with tyrosine at codon 492 of the KCNH2 protein. Computational prediction suggests that this variant may have deleterious impact on protein structure and function (internally defined REVEL score threshold >= 0.7, PMID: 27666373). A functional study has shown that this variant causes a mild decrease in current density and did not have a dominant negative effect (PMID: 19843919). This variant has been reported in over ten Japanese individuals affected with or suspected of having long QT syndrome (PMID: 12808265, 24057343, 27041096, 27816319, 29766885). Some of these individuals who also carried a pathogenic variant in the same or different gene showed a more severe phenotype (PMID: 24057343, 27816319). Multiple heterozygous individuals did not show a prolonged QT interval (PMID: 24057343, 27816319). This variant has been identified in 3/251464 chromosomes (3/18394 East Asian chromosomes) in the general population by the Genome Aggregation Database (gnomAD). In summary, although additional studies are required to fully establish its clinical significance, the available evidence indicates that this variant is likely pathogenic for autosomal dominant long QT syndrome, although it may show reduced penetrance and a milder clinical presentation when observed in isolation and a more severe phenotype when observed in combination with other pathogenic variants. Therefore, this variant is classified as Likely Pathogenic.

Laboratory for Molecular Medicine, Mass General Brigham Personalized Medicine
Classification: Likely pathogenic for Familial long QT syndrome. Last evaluated: 2020-03-18. Review status: criteria provided, single submitter. Criteria: LMM Criteria. Collection method: clinical testing. Allele origin: germline. Inheritance: Autosomal dominant inheritance. Observed: 1 variant allele.
Comment: The p.His492Tyr variant in KCNH2 has been reported in the heterozygous state in at least 7 individuals with long QT syndrome (LQTS): 4 with congenital LQTS and 3 with drug induced LQTS (Inoue 2003, Itoh 2009, Hayashi 2016, Fujii 2017). The variant has also been reported in 7 individuals with a more severe phenotype who had a second variant in KCNH2 or another LQTS gene (Bando 2014, Fujii 2017). The p.His492Tyr variant segregated with disease in at least 5 affected relatives from 3 families; however the variant was also observed in unaffected family members (Itoh 2009, Bando 2014, Fujii 2017). In vitro functional studies suggest that the p.His492Tyr variant does not significantly impact protein function (Itoh 2009). This variant has been identified in 3/18394 East Asian chromosomes by gnomAD and has been reported in ClinVar (Variation ID: 67204). Computational prediction tools and conservation analysis suggest that the p.His492Tyr variant may impact the protein, though this information is not predictive enough to determine pathogenicity. In summary, although additional studies are required to fully establish its clinical significance, this variant meets criteria to be classified as likely pathogenic for autosomal dominant LQTS, though it may show reduced penetrance and a milder clinical presentation when observed in isolation and a more severe phenotype when observed in combination with other LQTS variants. ACMG/AMP Criteria applied: PS4_Moderate, PM3, PP1, PP3